The following is an entry in ClinVar:

ClinVar aggregate classification (germline): Uncertain significance (1 of 4 stars; one submission).

Conditions:
Werner syndrome (WRN). Identifiers: Orphanet 902, MedGen C0043119, MONDO:0010196, OMIM 277700.

Submission:

Labcorp Genetics (formerly Invitae), Labcorp
Classification: Uncertain significance for Werner syndrome. Last evaluated: 2020-06-20. Review status: criteria provided, single submitter. Criteria: Invitae Variant Classification Sherloc (09022015). Collection method: clinical testing. Allele origin: germline.
Comment: This sequence change replaces tyrosine with cysteine at codon 587 of the WRN protein (p.Tyr587Cys). The tyrosine residue is highly conserved and there is a large physicochemical difference between tyrosine and cysteine. Algorithms developed to predict the effect of missense changes on protein structure and function (SIFT, PolyPhen-2, Align-GVGD) all suggest that this variant is likely to be disruptive, but these predictions have not been confirmed by published functional studies and their clinical significance is uncertain. In summary, the available evidence is currently insufficient to determine the role of this variant in disease. Therefore, it has been classified as a Variant of Uncertain Significance. This variant has not been reported in the literature in individuals with WRN-related disease. This variant is not present in population databases (ExAC no frequency).

NM_000553.6(WRN):c.1760A>G (p.Tyr587Cys)

Gene: WRN (WRN RecQ like helicase; plus strand). Cytogenetic location: 8p12.
Variant type: single nucleotide variant.
Coding change: c.1760A>G on transcript NM_000553.6 (MANE Select); coding-DNA position 1760, A replaced by G.
Protein change: p.Tyr587Cys; replaces tyrosine 587 with cysteine.
Molecular consequence: missense variant.
Genome position (GRCh38, 1-based): chr8:31,090,873, A>G. VCF-style: chr8-31090873-A-G. GRCh37 (hg19) VCF-style: chr8-30948389-A-G.
Other names: short protein forms Y587C.
Identifiers: ClinVar variation 570584 (VCV000570584.4), dbSNP rs137977751, ClinGen allele CA370927727.
Genomic context (GRCh38, chr8:31,090,873, plus strand): 5'-TTATATTTTTTTCATTTCAAGGATATGGAAAGAGTTTGTGCTTCCAGTATCCACCTGTTT[A>G]TGTAGGCAAGATTGGCCTTGTTATCTCTCCCCTTATTTCTCTGATGGAAGACCAAGTGCT-3'
Protein context (NP_000544.2, residues 577-597): KSLCFQYPPV[Tyr587Cys]VGKIGLVISP